The following is an entry in ClinVar:

ClinVar aggregate classification (germline): Uncertain significance (1 of 4 stars; one submission).

Conditions:
Early-infantile DEE. Also called: Early infantile epileptic encephalopathy; Early infantile epileptic encephalopathy with suppression bursts; Ohtahara syndrome. Identifiers: Orphanet 1934, MedGen C0393706, MONDO:0800491.

Submission:

Labcorp Genetics (formerly Invitae), Labcorp
Classification: Uncertain significance for Early-infantile DEE. Last evaluated: 2025-02-26. Review status: criteria provided, single submitter. Criteria: Invitae Variant Classification Sherloc (09022015). Collection method: clinical testing. Allele origin: germline.
Comment: This sequence change replaces leucine, which is neutral and non-polar, with phenylalanine, which is neutral and non-polar, at codon 762 of the SPTAN1 protein (p.Leu762Phe). This variant is not present in population databases (gnomAD no frequency). This variant has not been reported in the literature in individuals affected with SPTAN1-related conditions. Invitae Evidence Modeling of protein sequence and biophysical properties (such as structural, functional, and spatial information, amino acid conservation, physicochemical variation, residue mobility, and thermodynamic stability) has been performed for this missense variant. However, the output from this modeling did not meet the statistical confidence thresholds required to predict the impact of this variant on SPTAN1 protein function. In summary, the available evidence is currently insufficient to determine the role of this variant in disease. Therefore, it has been classified as a Variant of Uncertain Significance.

NM_001130438.3(SPTAN1):c.2284C>T (p.Leu762Phe)

Gene: SPTAN1 (spectrin alpha, non-erythrocytic 1; plus strand). Cytogenetic location: 9q34.11.
Variant type: single nucleotide variant.
Coding change: c.2284C>T on transcript NM_001130438.3 (MANE Select); coding-DNA position 2284, C replaced by T.
Protein change: p.Leu762Phe; replaces leucine 762 with phenylalanine.
Molecular consequence: missense variant.
Genome position (GRCh38, 1-based): chr9:128,584,372, C>T. VCF-style: chr9-128584372-C-T. GRCh37 (hg19) VCF-style: chr9-131346651-C-T.
Other names: c.2284C>T, p.Leu762Phe (NM_001195532.2, NM_001363759.2, NM_001363765.2 and 10 more transcripts); c.2320C>T, p.Leu774Phe (NM_001375312.2, NM_001375318.1, NM_001438440.1); short protein forms L762F, L774F.
Identifiers: ClinVar variation 4801846 (VCV004801846.1).